The following is an entry in ClinVar:

ClinVar aggregate classification (germline): Uncertain significance. Review status: criteria provided, multiple submitters, no conflicts (2 of 4 stars). 2 submissions from 2 submitters: Uncertain significance (2). Last evaluated 2025-03-27.

Allele frequency attached by ClinVar (database versions not stated): gnomAD 0.00001; gnomAD exomes 0.00001; ExAC 0.00002; TOPMed 0.00002.
gnomAD v4.1: 12 of 1,613,756 alleles (0.00074%); highest among the groups gnomAD compares: East Asian, 0.013%; no homozygotes.

Submissions (2):

Ambry Genetics
Classification: Uncertain significance. Last evaluated: 2025-03-27. Review status: criteria provided, single submitter. Criteria: Ambry Variant Classification Scheme 2023. Collection method: clinical testing. Allele origin: germline.

Labcorp Genetics (formerly Invitae), Labcorp
Classification: Uncertain significance. Last evaluated: 2022-02-21. Review status: criteria provided, single submitter. Criteria: Invitae Variant Classification Sherloc (09022015). Collection method: clinical testing. Allele origin: germline.
Comment: In summary, the available evidence is currently insufficient to determine the role of this variant in disease. Therefore, it has been classified as a Variant of Uncertain Significance. Algorithms developed to predict the effect of missense changes on protein structure and function are either unavailable or do not agree on the potential impact of this missense change (SIFT: "Tolerated"; PolyPhen-2: "Probably Damaging"; Align-GVGD: "Class C0"). This variant is present in population databases (rs760172330, gnomAD 0.01%). This sequence change replaces threonine, which is neutral and polar, with methionine, which is neutral and non-polar, at codon 311 of the SBF1 protein (p.Thr311Met). This variant has not been reported in the literature in individuals affected with SBF1-related conditions.

NM_002972.4(SBF1):c.932C>T (p.Thr311Met)

Gene: SBF1 (SET binding factor 1; minus strand). Cytogenetic location: 22q13.33.
Variant type: single nucleotide variant.
Coding change: c.932C>T on transcript NM_002972.4 (MANE Select); coding-DNA position 932, C replaced by T.
Protein change: p.Thr311Met; replaces threonine 311 with methionine.
Molecular consequence: missense variant.
Genome position (GRCh38, 1-based): chr22:50,466,040, G>A on the plus strand (C>T on the coding strand, the complement: SBF1 is on the minus strand). VCF-style: chr22-50466040-G-A. GRCh37 (hg19) VCF-style: chr22-50904469-G-A.
Other names: c.935C>T, p.Thr312Met (NM_001365819.1, NM_001410794.1); c.932C>T, p.Thr311Met (NM_001410795.1, NM_197971.1); c.932C>T (NM_002972.2); short protein forms T311M, T312M.
Identifiers: ClinVar variation 2415270 (VCV002415270.7), dbSNP rs760172330, ClinGen allele CA10317906.